The following is an entry in ClinVar:

NM_001231.5(CASQ1):c.883+3G>A

Gene: CASQ1 (calsequestrin 1; plus strand). Cytogenetic location: 1q23.2.
Variant type: single nucleotide variant.
Coding change: c.883+3G>A on transcript NM_001231.5 (MANE Select); 3 bases into the intron after coding-DNA position 883, G replaced by A.
Molecular consequence: intron variant.
Genome position (GRCh38, 1-based): chr1:160,198,734, G>A. VCF-style: chr1-160198734-G-A. GRCh37 (hg19) VCF-style: chr1-160168524-G-A.
Identifiers: ClinVar variation 2150707 (VCV002150707.4), dbSNP rs200923595, ClinGen allele CA1196374.
Genomic context (GRCh38, chr1:160,198,734, plus strand): 5'-CAGGAGGATGATATGGATGGAATCCACATTGTGGCCTTCGCAGAGGAAGCTGATCCTGGT[G>A]AGGGAGGAATACCGGGTTGGACTGGAGGGAAGGCAGGGGGAGGTGGGTGTGTTTATTGGA-3'

ClinVar aggregate classification (germline): Uncertain significance (1 of 4 stars; one submission).

Allele frequency attached by ClinVar (database versions not stated): ExAC 0.00005; gnomAD exomes 0.00006; TOPMed 0.00006; gnomAD 0.00007; 1000 Genomes Project 0.00020; 1000 Genomes Project 30x 0.00031.
gnomAD v4.1: 103 of 1,613,066 alleles (0.0064%); highest among the groups gnomAD compares: East Asian, 0.042%; no homozygotes.

Submission:

Labcorp Genetics (formerly Invitae), Labcorp
Classification: Uncertain significance. Last evaluated: 2025-05-12. Review status: criteria provided, single submitter. Criteria: Invitae Variant Classification Sherloc (09022015). Collection method: clinical testing. Allele origin: germline.
Comment: This sequence change falls in intron 8 of the CASQ1 gene. It does not directly change the encoded amino acid sequence of the CASQ1 protein. It affects a nucleotide within the consensus splice site. This variant is present in population databases (rs200923595, gnomAD 0.05%), and has an allele count higher than expected for a pathogenic variant. This variant has not been reported in the literature in individuals affected with CASQ1-related conditions. ClinVar contains an entry for this variant (Variation ID: 2150707). Variants that disrupt the consensus splice site are a relatively common cause of aberrant splicing (PMID: 17576681, 9536098). Algorithms developed to predict the effect of sequence changes on RNA splicing suggest that this variant is not likely to affect RNA splicing. In summary, the available evidence is currently insufficient to determine the role of this variant in disease. Therefore, it has been classified as a Variant of Uncertain Significance.

Literature cited by the submitters: PubMed 17576681; PubMed 9536098.